The following is an entry in ClinVar:

ClinVar aggregate classification (germline): Uncertain significance (1 of 4 stars; one submission).

Submission:

Labcorp Genetics (formerly Invitae), Labcorp
Classification: Uncertain significance. Last evaluated: 2021-02-01. Review status: criteria provided, single submitter. Criteria: Invitae Variant Classification Sherloc (09022015). Collection method: clinical testing. Allele origin: germline.
Comment: In summary, the available evidence is currently insufficient to determine the role of this variant in disease. Therefore, it has been classified as a Variant of Uncertain Significance. Algorithms developed to predict the effect of missense changes on protein structure and function are either unavailable or do not agree on the potential impact of this missense change (SIFT: "Deleterious"; PolyPhen-2: "Possibly Damaging"; Align-GVGD: "Class C0"). This variant has not been reported in the literature in individuals with RP1-related conditions. This variant is not present in population databases (ExAC no frequency). This sequence change replaces serine with glycine at codon 786 of the RP1 protein (p.Ser786Gly). The serine residue is highly conserved and there is a small physicochemical difference between serine and glycine.

NM_006269.2(RP1):c.2356A>G (p.Ser786Gly)

Gene: RP1 (RP1 axonemal microtubule associated; plus strand). Cytogenetic location: 8q12.1.
Variant type: single nucleotide variant.
Coding change: c.2356A>G on transcript NM_006269.2 (MANE Select); coding-DNA position 2356, A replaced by G.
Protein change: p.Ser786Gly; replaces serine 786 with glycine.
Molecular consequence: missense variant. On other transcripts: intron variant (1).
Genome position (GRCh38, 1-based): chr8:54,626,238, A>G. VCF-style: chr8-54626238-A-G. GRCh37 (hg19) VCF-style: chr8-55538798-A-G.
Other names: c.787+3950A>G (NM_001375654.1); short protein forms S786G.
Identifiers: ClinVar variation 1434683 (VCV001434683.8), dbSNP rs2129316579, ClinGen allele CA370993535.
Genomic context (GRCh38, chr8:54,626,238, plus strand): 5'-CAAAATTCCAAGGTTCAAGGACTTTTAACCAAAAGAAAATCTAGATCACTAAATAAAATA[A>G]GCTTAGGAGCACCTAAAAAAAGAGAAATCGGTCAAAGAGATAAAGTGTTTCCTCACAATG-3'
Protein context (NP_006260.1, residues 776-796): KRKSRSLNKI[Ser786Gly]LGAPKKREIG